The following is an entry in ClinVar:

NM_001365536.1(SCN9A):c.5791G>T (p.Asp1931Tyr)

Genes: SCN1A-AS1 (SCN1A and SCN9A antisense RNA 1; plus strand), SCN9A (sodium voltage-gated channel alpha subunit 9; minus strand). Cytogenetic location: 2q24.3.
Variant type: single nucleotide variant.
Coding change: c.5791G>T on transcript NM_001365536.1 (MANE Select); coding-DNA position 5791, G replaced by T.
Protein change: p.Asp1931Tyr; replaces aspartic acid 1931 with tyrosine.
Molecular consequence: missense variant.
Genome position (GRCh38, 1-based): chr2:166,198,848, C>A on the plus strand (G>T on the coding strand, the complement: SCN9A is on the minus strand). VCF-style: chr2-166198848-C-A. GRCh37 (hg19) VCF-style: chr2-167055358-C-A.
Other names: c.5758G>T, p.Asp1920Tyr (NM_002977.4); short protein forms D1920Y, D1931Y.
Identifiers: ClinVar variation 845628 (VCV000845628.6), dbSNP rs200410805, ClinGen allele CA349051492.

ClinVar aggregate classification (germline): Uncertain significance (1 of 4 stars; one submission).

Conditions:
Neuropathy, hereditary sensory and autonomic, type 2A (HSAN2A). Also called: HSAN IIA; ACROOSTEOLYSIS, GIACCAI TYPE; ACROOSTEOLYSIS, NEUROGENIC; MORVAN DISEASE; NEUROPATHY, CONGENITAL SENSORY; NEUROPATHY, HEREDITARY SENSORY RADICULAR, AUTOSOMAL RECESSIVE. Identifiers: Orphanet 970, MedGen C2752089, MONDO:0024309, OMIM 201300.
Generalized epilepsy with febrile seizures plus, type 7 (GEFSP7). Also called: GEFS+, TYPE 7. Identifiers: Orphanet 36387, MedGen C2751778, MONDO:0013470, OMIM 613863.

Allele frequency attached by ClinVar (database versions not stated): TOPMed 0.00001.
gnomAD v4.1: 5 of 1,613,572 alleles (0.00031%); highest among the groups gnomAD compares: East Asian, 0.0022%; no homozygotes.

Submission:

Labcorp Genetics (formerly Invitae), Labcorp
Classification: Uncertain significance for Neuropathy, hereditary sensory and autonomic, type 2A; Generalized epilepsy with febrile seizures plus, type 7. Last evaluated: 2025-04-08. Review status: criteria provided, single submitter. Criteria: Invitae Variant Classification Sherloc (09022015). Collection method: clinical testing. Allele origin: germline.
Comment: This sequence change replaces aspartic acid, which is acidic and polar, with tyrosine, which is neutral and polar, at codon 1920 of the SCN9A protein (p.Asp1920Tyr). This variant is not present in population databases (gnomAD no frequency). This variant has not been reported in the literature in individuals affected with SCN9A-related conditions. ClinVar contains an entry for this variant (Variation ID: 845628). Invitae Evidence Modeling of protein sequence and biophysical properties (such as structural, functional, and spatial information, amino acid conservation, physicochemical variation, residue mobility, and thermodynamic stability) has been performed for this missense variant. However, the output from this modeling did not meet the statistical confidence thresholds required to predict the impact of this variant on SCN9A protein function. In summary, the available evidence is currently insufficient to determine the role of this variant in disease. Therefore, it has been classified as a Variant of Uncertain Significance.